The following is an entry in ClinVar:

NM_006343.3(MERTK):c.2948A>T (p.Asp983Val)

Gene: MERTK (MER proto-oncogene, tyrosine kinase; plus strand). Cytogenetic location: 2q13.
Variant type: single nucleotide variant.
Coding change: c.2948A>T on transcript NM_006343.3 (MANE Select); coding-DNA position 2948, A replaced by T.
Protein change: p.Asp983Val; replaces aspartic acid 983 with valine.
Molecular consequence: missense variant.
Genome position (GRCh38, 1-based): chr2:112,028,812, A>T. VCF-style: chr2-112028812-A-T. GRCh37 (hg19) VCF-style: chr2-112786389-A-T.
Other names: short protein forms D983V.
Identifiers: ClinVar variation 1446764 (VCV001446764.6), dbSNP rs1170420949, ClinGen allele CA348245277.

ClinVar aggregate classification (germline): Uncertain significance (1 of 4 stars; one submission).

Allele frequency attached by ClinVar (database versions not stated): gnomAD exomes below 0.00001.
gnomAD v4.1: 4 of 1,614,056 alleles (0.00025%); highest among the groups gnomAD compares: Non-Finnish European, 0.00034%; no homozygotes.

Submission:

Labcorp Genetics (formerly Invitae), Labcorp
Classification: Uncertain significance. Last evaluated: 2022-06-20. Review status: criteria provided, single submitter. Criteria: Invitae Variant Classification Sherloc (09022015). Collection method: clinical testing. Allele origin: germline.
Comment: This variant is not present in population databases (gnomAD no frequency). This sequence change replaces aspartic acid, which is acidic and polar, with valine, which is neutral and non-polar, at codon 983 of the MERTK protein (p.Asp983Val). This variant has not been reported in the literature in individuals affected with MERTK-related conditions. In summary, the available evidence is currently insufficient to determine the role of this variant in disease. Therefore, it has been classified as a Variant of Uncertain Significance. Algorithms developed to predict the effect of missense changes on protein structure and function are either unavailable or do not agree on the potential impact of this missense change (SIFT: "Deleterious"; PolyPhen-2: "Benign"; Align-GVGD: "Class C65").